The following is an entry in ClinVar:

NM_000059.4(BRCA2):c.1280A>G (p.Asp427Gly)

Gene: BRCA2 (BRCA2 DNA repair associated; plus strand). Cytogenetic location: 13q13.1.
Variant type: single nucleotide variant.
Coding change: c.1280A>G on transcript NM_000059.4 (MANE Select); coding-DNA position 1280, A replaced by G.
Protein change: p.Asp427Gly; replaces aspartic acid 427 with glycine.
Molecular consequence: missense variant.
Genome position (GRCh38, 1-based): chr13:32,332,758, A>G. VCF-style: chr13-32332758-A-G. GRCh37 (hg19) VCF-style: chr13-32906895-A-G.
Other names: short protein forms D427G.
Identifiers: ClinVar variation 489740 (VCV000489740.6), dbSNP rs1555281813, ClinGen allele CA387762430.

ClinVar aggregate classification (germline): Conflicting classifications of pathogenicity. Review status: criteria provided, conflicting classifications (1 of 4 stars). 2 submissions from 2 submitters: Uncertain significance (1); Likely benign (1). Last evaluated 2023-03-23.

Conditions:
Hereditary cancer-predisposing syndrome. Also called: Hereditary Cancer Syndrome; Neoplastic Syndromes, Hereditary; Tumor predisposition; Hereditary neoplastic syndrome. Identifiers: Orphanet 140162, MedGen C0027672, MeSH D009386, MONDO:0015356.

Submissions (2):

University of Washington Department of Laboratory Medicine, University of Washington
Classification: Likely benign for Hereditary cancer-predisposing syndrome. Last evaluated: 2023-03-23. Review status: criteria provided, single submitter. Criteria: Dines et al. (Genet Med. 2020). Collection method: curation. Allele origin: germline.
Comment: Missense variant in a coldspot region where missense variants are very unlikely to be pathogenic (PMID:31911673).

BRCA2 exon 10 coldspot. Reclassification based on statistical prior probability.

Color Diagnostics, LLC DBA Color Health
Classification: Uncertain significance for Hereditary cancer-predisposing syndrome. Last evaluated: 2019-04-20. Review status: criteria provided, single submitter. Criteria: ACMG Guidelines, 2015. Collection method: clinical testing. Allele origin: germline.